The following is an entry in ClinVar:

NM_024537.4(CARS2):c.666C>G (p.Asp222Glu)

Gene: CARS2 (cysteinyl-tRNA synthetase 2, mitochondrial; minus strand). Cytogenetic location: 13q34.
Variant type: single nucleotide variant.
Coding change: c.666C>G on transcript NM_024537.4 (MANE Select); coding-DNA position 666, C replaced by G.
Protein change: p.Asp222Glu; replaces aspartic acid 222 with glutamic acid.
Molecular consequence: missense variant. On other transcripts: 5 prime UTR variant (1), non-coding transcript variant (2).
Genome position (GRCh38, 1-based): chr13:110,677,093, G>C on the plus strand (C>G on the coding strand, the complement: CARS2 is on the minus strand). VCF-style: chr13-110677093-G-C. GRCh37 (hg19) VCF-style: chr13-111329440-G-C.
Other names: c.-121C>G (NM_001352252.2); c.666C>G, p.Asp222Glu (NM_001352253.3); short protein forms D222E.
Identifiers: ClinVar variation 475634 (VCV000475634.6), dbSNP rs1555351973, ClinGen allele CA388735448.

ClinVar aggregate classification (germline): Uncertain significance (1 of 4 stars; one submission).

Conditions:
Combined oxidative phosphorylation defect type 27. Also called: Combined oxidative phosphorylation deficiency 27. Identifiers: Orphanet 477774, MedGen C5567608, MONDO:0014728, OMIM 616672.

gnomAD v4.1: 3 of 1,607,074 alleles (0.00019%); highest among the groups gnomAD compares: Non-Finnish European, 0.00026%; no homozygotes.

Submission:

Labcorp Genetics (formerly Invitae), Labcorp
Classification: Uncertain significance for Combined oxidative phosphorylation defect type 27. Last evaluated: 2021-08-27. Review status: criteria provided, single submitter. Criteria: Invitae Variant Classification Sherloc (09022015). Collection method: clinical testing. Allele origin: germline.
Comment: This sequence change replaces aspartic acid with glutamic acid at codon 222 of the CARS2 protein (p.Asp222Glu). The aspartic acid residue is moderately conserved and there is a small physicochemical difference between aspartic acid and glutamic acid. This variant is not present in population databases (ExAC no frequency). This variant has not been reported in the literature in individuals affected with CARS2-related conditions. Algorithms developed to predict the effect of missense changes on protein structure and function (SIFT, PolyPhen-2, Align-GVGD) all suggest that this variant is likely to be tolerated. In summary, the available evidence is currently insufficient to determine the role of this variant in disease. Therefore, it has been classified as a Variant of Uncertain Significance.